The following is an entry in ClinVar:

NM_004380.3(CREBBP):c.2618C>T (p.Thr873Ile)

Gene: CREBBP (CREB binding lysine acetyltransferase; minus strand). Cytogenetic location: 16p13.3.
Variant type: single nucleotide variant.
Coding change: c.2618C>T on transcript NM_004380.3 (MANE Select); coding-DNA position 2618, C replaced by T.
Protein change: p.Thr873Ile; replaces threonine 873 with isoleucine.
Molecular consequence: missense variant.
Genome position (GRCh38, 1-based): chr16:3,770,832, G>A on the plus strand (C>T on the coding strand, the complement: CREBBP is on the minus strand). VCF-style: chr16-3770832-G-A. GRCh37 (hg19) VCF-style: chr16-3820833-G-A.
Other names: c.2504C>T, p.Thr835Ile (NM_001079846.1); short protein forms T835I, T873I.
Identifiers: ClinVar variation 3358609 (VCV003358609.1).
Genomic context (GRCh38, chr16:3,770,832, plus strand): 5'-GACACAGGAGTTGATGGCTGAGTGGGAGCTGCTGGCTGGGGAGGAGTCATCCCAGGTGGT[G>A]TCGTGTGCTGGAGAGATGGCATGCCAGCAGCCGTGGAAGCAGGAGGCGGTGTTGGGTGCA-3'
Protein context (NP_004371.2, residues 863-883): AAGMPSLQHT[Thr873Ile]PPGMTPPQPA

ClinVar aggregate classification (germline): Uncertain significance (0 of 4 stars; one submission).

Conditions:
CREBBP-related disorder. Also called: CREBBP-related condition; CREBBP-related disorders.

gnomAD v4.1: 2 of 1,614,066 alleles (0.00012%); highest among the groups gnomAD compares: South Asian, 0.0022%; no homozygotes.

Submission:

PreventionGenetics, part of Exact Sciences
Classification: Uncertain significance for CREBBP-related condition. Last evaluated: 2024-06-13. Review status: no assertion criteria provided. Collection method: clinical testing. Allele origin: germline.
Comment: The CREBBP c.2618C>T variant is predicted to result in the amino acid substitution p.Thr873Ile. To our knowledge, this variant has not been reported in the literature or in a large population database, indicating this variant is rare. At this time, the clinical significance of this variant is uncertain due to the absence of conclusive functional and genetic evidence.